The following is an entry in ClinVar:

NM_014956.5(CEP164):c.1952T>C (p.Leu651Pro)

Gene: CEP164 (centrosomal protein 164; plus strand). Cytogenetic location: 11q23.3.
Variant type: single nucleotide variant.
Coding change: c.1952T>C on transcript NM_014956.5 (MANE Select); coding-DNA position 1952, T replaced by C.
Protein change: p.Leu651Pro; replaces leucine 651 with proline.
Molecular consequence: missense variant.
Genome position (GRCh38, 1-based): chr11:117,390,794, T>C. VCF-style: chr11-117390794-T-C. GRCh37 (hg19) VCF-style: chr11-117261510-T-C.
Other names: c.1961T>C, p.Leu654Pro (NM_001271933.2, NM_001440949.1); c.1952T>C, p.Leu651Pro (NM_001440950.1, NM_001440951.1, NM_001440953.1); c.1787T>C, p.Leu596Pro (NM_001440952.1, NM_001440968.1, NM_001440969.1); c.1874T>C, p.Leu625Pro (NM_001440954.1, NM_001440955.1, NM_001440958.1 and 1 more transcripts); c.1865T>C, p.Leu622Pro (NM_001440956.1, NM_001440957.1); c.1823T>C, p.Leu608Pro (NM_001440960.1); c.1814T>C, p.Leu605Pro (NM_001440961.1, NM_001440967.1); c.1805T>C, p.Leu602Pro (NM_001440962.1, NM_001440963.1, NM_001440964.1 and 4 more transcripts); and 7 more; short protein forms L526P, L576P, L581P, L596P, L602P, L605P, L608P, L598P.
Identifiers: ClinVar variation 4987156 (VCV004987156.1).

ClinVar aggregate classification (germline): Uncertain significance (1 of 4 stars; one submission).

Conditions:
CEP164-related disorder. Also called: CEP164-related condition.

gnomAD v4.1: 3 of 1,613,976 alleles (0.00019%); highest among the groups gnomAD compares: Non-Finnish European, 0.00025%; no homozygotes.

Submission:

PreventionGenetics, part of Exact Sciences
Classification: Uncertain significance for CEP164-related condition. Last evaluated: 2025-09-12. Review status: criteria provided, single submitter. Criteria: ACMG Guidelines, 2015. Collection method: clinical testing. Allele origin: germline.
Comment: The CEP164 c.1952T>C variant is predicted to result in the amino acid substitution p.Leu651Pro. To our knowledge, this variant has not been reported in the literature or in a large population database (gnomAD), indicating this variant is rare. At this time, the clinical significance of this variant is uncertain due to the absence of conclusive functional and genetic evidence.